The following is an entry in ClinVar:

ClinVar aggregate classification (germline): Likely benign. Review status: criteria provided, multiple submitters, no conflicts (2 of 4 stars). 3 submissions from 3 submitters: Likely benign (3). Last evaluated 2025-09-01.

Conditions:
Inborn genetic diseases. Identifiers: MedGen C0950123, MeSH D030342.
X-linked severe congenital neutropenia (SCNX). Identifiers: Orphanet 86788, MedGen C1845987, MONDO:0010294, OMIM 300299.
Thrombocytopenia 1. Also called: THROMBOCYTOPENIA, X-LINKED, 1; X-linked thrombocytopenia with normal platelets; X-Linked Thrombocytopenia (XLT). Identifiers: Orphanet 268322, Orphanet 852, MedGen C1839163, MONDO:0010743, OMIM 313900.
Wiskott-Aldrich syndrome (WAS). Also called: ALDRICH SYNDROME; IMMUNODEFICIENCY 2; Wiskott-aldrich syndrome, somatic; WISKOTT-ALDRICH SYNDROME 1. Identifiers: Orphanet 906, MedGen C0043194, MONDO:0010518, OMIM 301000.

Allele frequency attached by ClinVar (database versions not stated): ExAC 0.00001; gnomAD 0.00002 and 0.00003; gnomAD exomes 0.00003 and 0.00005; TOPMed 0.00007.

Submissions (3):

CeGaT Center for Human Genetics Tuebingen
Classification: Likely benign. Last evaluated: 2025-09-01. Review status: criteria provided, single submitter. Criteria: CeGaT Center For Human Genetics Tuebingen Variant Classification Criteria Version 2. Collection method: clinical testing. Allele origin: germline. Affected: yes. Observed: 1 variant allele.
Comment: WAS: BS2

Ambry Genetics
Classification: Likely benign for Inborn genetic diseases. Last evaluated: 2024-05-21. Review status: criteria provided, single submitter. Criteria: Ambry Variant Classification Scheme 2023. Collection method: clinical testing. Allele origin: germline.

Labcorp Genetics (formerly Invitae), Labcorp
Classification: Likely benign for Wiskott-Aldrich syndrome; X-linked severe congenital neutropenia; Thrombocytopenia 1. Last evaluated: 2024-03-11. Review status: criteria provided, single submitter. Criteria: Invitae Variant Classification Sherloc (09022015). Collection method: clinical testing. Allele origin: germline.

NM_000377.3(WAS):c.575C>T (p.Pro192Leu)

Gene: WAS (WASP actin nucleation promoting factor; plus strand). Cytogenetic location: Xp11.23.
Variant type: single nucleotide variant.
Coding change: c.575C>T on transcript NM_000377.3 (MANE Select); coding-DNA position 575, C replaced by T.
Protein change: p.Pro192Leu; replaces proline 192 with leucine.
Molecular consequence: missense variant.
Genome position (GRCh38, 1-based): chrX:48,686,796, C>T. VCF-style: chrX-48686796-C-T. GRCh37 (hg19) VCF-style: chrX-48545185-C-T.
Other names: c.575C>T (NM_000377.2); short protein forms P192L.
Identifiers: ClinVar variation 1665955 (VCV001665955.14), dbSNP rs782745511, ClinGen allele CA10403956.